The following is an entry in ClinVar:

ClinVar aggregate classification (germline): Benign/Likely benign. Review status: criteria provided, multiple submitters, no conflicts (2 of 4 stars). 9 submissions from 9 submitters: Benign (3); Likely benign (4). 2 of the submissions do not count toward it. Last evaluated 2026-01-28.

Conditions:
Familial thoracic aortic aneurysm and aortic dissection (TAAD). Also called: Thoracic aortic aneurysms and dissections. Identifiers: Orphanet 91387, MedGen C4707243, MONDO:0019625.
Aortic aneurysm, familial thoracic 7 (AAT7). Also called: AORTIC DISSECTION, FAMILIAL, WITH OR WITHOUT AORTIC ANEURYSM. Identifiers: MedGen C3151077, MONDO:0013418, OMIM 613780.

Allele frequency attached by ClinVar (database versions not stated): TOPMed 0.00006; gnomAD 0.00007 and 0.00042; ESP Exome Variant Server 0.00008; 1000 Genomes Project 30x 0.00344; 1000 Genomes Project 0.00359.
gnomAD v4.1: 1,032 of 1,613,838 alleles (0.064%); highest among the groups gnomAD compares: South Asian, 0.96%; 15 homozygotes.

Submissions (9):

Labcorp Genetics (formerly Invitae), Labcorp
Classification: Benign for Aortic aneurysm, familial thoracic 7. Last evaluated: 2026-01-28. Review status: criteria provided, single submitter. Criteria: Invitae Variant Classification Sherloc (09022015). Collection method: clinical testing. Allele origin: germline.

CeGaT Center for Human Genetics Tuebingen
Classification: Likely benign. Last evaluated: 2025-07-01. Review status: criteria provided, single submitter. Criteria: CeGaT Center For Human Genetics Tuebingen Variant Classification Criteria Version 2. Collection method: clinical testing. Allele origin: germline. Affected: yes. Observed: 1 variant allele.
Comment: MYLK: BP4, BS2

ARUP Laboratories, Molecular Genetics and Genomics, ARUP Laboratories
Classification: Likely benign. Last evaluated: 2022-03-31. Review status: criteria provided, single submitter. Criteria: ARUP Molecular Germline Variant Investigation Process 2021. Collection method: clinical testing. Allele origin: germline.

Women's Health and Genetics/Laboratory Corporation of America, LabCorp
Classification: Likely benign. Last evaluated: 2020-10-19. Review status: criteria provided, single submitter. Criteria: LabCorp Variant Classification Summary - May 2015. Collection method: clinical testing. Allele origin: germline.
Comment: Variant summary: MYLK c.382G>A (p.Ala128Thr) results in a non-conservative amino acid change in the encoded protein sequence. Four of five in-silico tools predict a benign effect of the variant on protein function. The variant allele was found at a frequency of 0.0013 in 251426 control chromosomes, predominantly at a frequency of 0.01 within the South Asian subpopulation in the gnomAD database, including 4 homozygotes. The observed variant frequency within South Asian control individuals in the gnomAD database is approximately 200 fold of the estimated maximal expected allele frequency for a pathogenic variant in MYLK causing Thoracic Aortic Aneurysms and Dissections phenotype (5e-05), strongly suggesting that the variant is a benign polymorphism found primarily in populations of South Asian origin. To our knowledge, no occurrence of c.382G>A in individuals affected with Thoracic Aortic Aneurysms and Dissections and no experimental evidence demonstrating its impact on protein function have been reported. Four ClinVar submitters (evaluation after 2014) cite the variant as likely benign/benign. Based on the evidence outlined above, the variant was classified as likely benign.

Illumina Laboratory Services, Illumina
Classification: Likely benign for Aortic aneurysm, familial thoracic 7. Last evaluated: 2018-03-06. Review status: criteria provided, single submitter. Criteria: ICSL Variant Classification Criteria 13 December 2019. Collection method: clinical testing. Allele origin: germline.
Comment: This variant was observed in the ICSL laboratory as part of a predisposition screen in an ostensibly healthy population. It had not been previously curated by ICSL or reported in the Human Gene Mutation Database (HGMD: prior to June 1st, 2018), and was therefore a candidate for classification through an automated scoring system. Utilizing variant allele frequency, disease prevalence and penetrance estimates, and inheritance mode, an automated score was calculated to assess if this variant is too frequent to cause the disease. Based on the score and internal cut-off values, a variant classified as likely benign is not then subjected to further curation. The score for this variant resulted in a classification of likely benign for this disease.

GeneDx
Classification: Benign. Last evaluated: 2017-06-08. Review status: criteria provided, single submitter. Criteria: GeneDx Variant Classification (06012015). Collection method: clinical testing. Allele origin: germline. Affected: yes.
Comment: This variant is considered likely benign or benign based on one or more of the following criteria: it is a conservative change, it occurs at a poorly conserved position in the protein, it is predicted to be benign by multiple in silico algorithms, and/or has population frequency not consistent with disease.

Ambry Genetics
Classification: Benign for Familial thoracic aortic aneurysm and aortic dissection. Last evaluated: 2016-12-08. Review status: criteria provided, single submitter. Criteria: Ambry Variant Classification Scheme 2023. Collection method: clinical testing. Allele origin: germline.

Genome Diagnostics Laboratory, Amsterdam University Medical Center
Classification: Likely benign. Review status: no assertion criteria provided. Collection method: clinical testing. Allele origin: germline. Affected: yes. Study: VKGL Data-share Consensus. Not counted in ClinVar's aggregate classification.

Laboratory of Diagnostic Genome Analysis, Leiden University Medical Center (LUMC)
Classification: Likely benign. Review status: no assertion criteria provided. Collection method: clinical testing. Allele origin: germline. Affected: yes. Study: VKGL Data-share Consensus. Not counted in ClinVar's aggregate classification.

NM_053025.4(MYLK):c.382G>A (p.Ala128Thr)

Gene: MYLK (myosin light chain kinase; minus strand). Cytogenetic location: 3q21.1.
Variant type: single nucleotide variant.
Coding change: c.382G>A on transcript NM_053025.4 (MANE Select); coding-DNA position 382, G replaced by A.
Protein change: p.Ala128Thr; replaces alanine 128 with threonine.
Molecular consequence: missense variant. On other transcripts: 5 prime UTR variant (1).
Genome position (GRCh38, 1-based): chr3:123,739,993, C>T on the plus strand (G>A on the coding strand, the complement: MYLK is on the minus strand). VCF-style: chr3-123739993-C-T. GRCh37 (hg19) VCF-style: chr3-123458840-C-T.
Other names: c.-147G>A (NM_001321309.2); c.382G>A, p.Ala128Thr (NM_053026.4, NM_053027.4, NM_053028.4); short protein forms A128T.
Identifiers: ClinVar variation 264342 (VCV000264342.33), dbSNP rs147840022, ClinGen allele CA070854.